The following is an entry in ClinVar:

NM_001008537.3(NEXMIF):c.299C>T (p.Ser100Phe)

Gene: NEXMIF (neurite extension and migration factor; minus strand). Cytogenetic location: Xq13.3.
Variant type: single nucleotide variant.
Coding change: c.299C>T on transcript NM_001008537.3 (MANE Select); coding-DNA position 299, C replaced by T.
Protein change: p.Ser100Phe; replaces serine 100 with phenylalanine.
Molecular consequence: missense variant.
Genome position (GRCh38, 1-based): chrX:74,744,258, G>A on the plus strand (C>T on the coding strand, the complement: NEXMIF is on the minus strand). VCF-style: chrX-74744258-G-A. GRCh37 (hg19) VCF-style: chrX-73964093-G-A.
Other names: short protein forms S100F.
Identifiers: ClinVar variation 2180594 (VCV002180594.4), dbSNP rs764653702, ClinGen allele CA10455233.
Genomic context (GRCh38, chrX:74,744,258, plus strand): 5'-TTCTCACATTCATTGGGAAGTGACCATGTGTTCAGGCCTTTTGCAATGCCAGATGTGAGG[G>A]AGATGGCATTCACAGAAGCACTATTAGCAGCATGTTCGGGTGCTTCAATCAGGCCCAAAG-3'
Protein context (NP_001008537.1, residues 90-110): AANSASVNAI[Ser100Phe]LTSGIAKGLN

ClinVar aggregate classification (germline): Uncertain significance (1 of 4 stars; one submission).

Allele frequency attached by ClinVar (database versions not stated): ExAC 0.00001; gnomAD exomes 0.00001; TOPMed 0.00002; gnomAD 0.00003.

Submission:

Labcorp Genetics (formerly Invitae), Labcorp
Classification: Uncertain significance. Last evaluated: 2025-03-31. Review status: criteria provided, single submitter. Criteria: Invitae Variant Classification Sherloc (09022015). Collection method: clinical testing. Allele origin: germline.
Comment: This sequence change replaces serine, which is neutral and polar, with phenylalanine, which is neutral and non-polar, at codon 100 of the NEXMIF protein (p.Ser100Phe). This variant is present in population databases (rs764653702, gnomAD 0.008%), including at least one homozygous and/or hemizygous individual. This variant has not been reported in the literature in individuals affected with NEXMIF-related conditions. ClinVar contains an entry for this variant (Variation ID: 2180594). An algorithm developed to predict the effect of missense changes on protein structure and function (PolyPhen-2) suggests that this variant is likely to be disruptive. In summary, the available evidence is currently insufficient to determine the role of this variant in disease. Therefore, it has been classified as a Variant of Uncertain Significance.